The following is an entry in ClinVar:

ClinVar aggregate classification (germline): Uncertain significance (1 of 4 stars; one submission).

Conditions:
Short-rib thoracic dysplasia 13 with or without polydactyly (SRTD13). Identifiers: Orphanet 474, MedGen C4225378, MONDO:0014577, OMIM 616300.

Allele frequency attached by ClinVar (database versions not stated): gnomAD exomes below 0.00001; TOPMed below 0.00001.
gnomAD v4.1: 6 of 1,614,160 alleles (0.00037%); highest among the groups gnomAD compares: Non-Finnish European, 0.00042%; no homozygotes.

Submission:

Labcorp Genetics (formerly Invitae), Labcorp
Classification: Uncertain significance for Short-rib thoracic dysplasia 13 with or without polydactyly. Last evaluated: 2023-12-21. Review status: criteria provided, single submitter. Criteria: Invitae Variant Classification Sherloc (09022015). Collection method: clinical testing. Allele origin: germline.
Comment: This sequence change replaces isoleucine, which is neutral and non-polar, with valine, which is neutral and non-polar, at codon 258 of the CEP120 protein (p.Ile258Val). This variant is not present in population databases (gnomAD no frequency). This variant has not been reported in the literature in individuals affected with CEP120-related conditions. Advanced modeling of protein sequence and biophysical properties (such as structural, functional, and spatial information, amino acid conservation, physicochemical variation, residue mobility, and thermodynamic stability) performed at Invitae indicates that this missense variant is not expected to disrupt CEP120 protein function with a negative predictive value of 80%. In summary, the available evidence is currently insufficient to determine the role of this variant in disease. Therefore, it has been classified as a Variant of Uncertain Significance.

NM_001375405.1(CEP120):c.772A>G (p.Ile258Val)

Gene: CEP120 (centrosomal protein 120; minus strand). Cytogenetic location: 5q23.2.
Variant type: single nucleotide variant.
Coding change: c.772A>G on transcript NM_001375405.1 (MANE Select); coding-DNA position 772, A replaced by G.
Protein change: p.Ile258Val; replaces isoleucine 258 with valine.
Molecular consequence: missense variant. On other transcripts: non-coding transcript variant (1).
Genome position (GRCh38, 1-based): chr5:123,393,338, T>C on the plus strand (A>G on the coding strand, the complement: CEP120 is on the minus strand). VCF-style: chr5-123393338-T-C. GRCh37 (hg19) VCF-style: chr5-122729032-T-C.
Other names: c.772A>G, p.Ile258Val (NM_001375406.1, NM_001375407.1, NM_153223.4); c.199A>G, p.Ile67Val (NM_001375408.1, NM_001375409.1); c.694A>G, p.Ile232Val (NM_001166226.2); short protein forms I232V, I258V, I67V.
Identifiers: ClinVar variation 2811021 (VCV002811021.3), dbSNP rs1580704118, ClinGen allele CA360892558.